The following is an entry in ClinVar:

NM_005660.3(SLC35A2):c.578G>A (p.Arg193Gln)

Gene: SLC35A2 (solute carrier family 35 member A2; minus strand). Cytogenetic location: Xp11.23.
Variant type: single nucleotide variant.
Coding change: c.578G>A on transcript NM_005660.3 (MANE Select); coding-DNA position 578, G replaced by A.
Protein change: p.Arg193Gln; replaces arginine 193 with glutamine.
Molecular consequence: missense variant. On other transcripts: intron variant (3).
Genome position (GRCh38, 1-based): chrX:48,905,331, C>T on the plus strand (G>A on the coding strand, the complement: SLC35A2 is on the minus strand). VCF-style: chrX-48905331-C-T. GRCh37 (hg19) VCF-style: chrX-48762608-C-T.
Other names: c.578G>A, p.Arg193Gln (NM_001042498.3); c.395G>A, p.Arg132Gln (NM_001282649.2); c.617G>A, p.Arg206Gln (NM_001282650.2); c.662G>A, p.Arg221Gln (NM_001282651.2); c.427-439G>A (NM_001282647.2, NM_001032289.3); c.355-439G>A (NM_001282648.2); short protein forms R132Q, R193Q, R206Q, R221Q.
Identifiers: ClinVar variation 810588 (VCV000810588.49), dbSNP rs1602338782, ClinGen allele CA412895669.

ClinVar aggregate classification (germline): Benign/Likely benign. Review status: criteria provided, multiple submitters, no conflicts (2 of 4 stars). 2 submissions from 2 submitters: Benign (1); Likely benign (1). Last evaluated 2025-11-01.

Conditions:
SLC35A2-congenital disorder of glycosylation. Also called: SLC35A2-CDG; CONGENITAL DISORDER OF GLYCOSYLATION, TYPE IIm; CDG IIm; CONGENITAL DISORDER OF GLYCOSYLATION, TYPE IIm, SOMATIC MOSAIC; EPILEPTIC ENCEPHALOPATHY, EARLY INFANTILE, 22; DEVELOPMENTAL AND EPILEPTIC ENCEPHALOPATHY 22. Identifiers: Orphanet 356961, MedGen C3806688, MONDO:0010478, OMIM 300896.

Allele frequency attached by ClinVar (database versions not stated): TOPMed below 0.00001.
gnomAD v4.1: 4 of 1,184,025 alleles (0.00034%); highest among the groups gnomAD compares: East Asian, 0.0031%; no homozygotes.

Submissions (2):

CeGaT Center for Human Genetics Tuebingen
Classification: Likely benign. Last evaluated: 2025-11-01. Review status: criteria provided, single submitter. Criteria: CeGaT Center For Human Genetics Tuebingen Variant Classification Criteria Version 2. Collection method: clinical testing. Allele origin: germline. Affected: yes. Observed: 3 variant alleles.
Comment: SLC35A2: PP2, BP4, BS2

Labcorp Genetics (formerly Invitae), Labcorp
Classification: Benign for SLC35A2-congenital disorder of glycosylation. Last evaluated: 2025-03-27. Review status: criteria provided, single submitter. Criteria: Invitae Variant Classification Sherloc (09022015). Collection method: clinical testing. Allele origin: germline.